The following is an entry in ClinVar:

ClinVar aggregate classification (germline): Uncertain significance (1 of 4 stars; one submission).

Allele frequency attached by ClinVar (database versions not stated): ExAC 0.00002; gnomAD 0.00004; TOPMed 0.00004; 1000 Genomes Project 0.00020; 1000 Genomes Project 30x 0.00031.
gnomAD v4.1: 69 of 1,614,184 alleles (0.0043%); highest among the groups gnomAD compares: East Asian, 0.0089%; no homozygotes.

Submission:

Labcorp Genetics (formerly Invitae), Labcorp
Classification: Uncertain significance. Last evaluated: 2023-01-20. Review status: criteria provided, single submitter. Criteria: Invitae Variant Classification Sherloc (09022015). Collection method: clinical testing. Allele origin: germline.
Comment: In summary, the available evidence is currently insufficient to determine the role of this variant in disease. Therefore, it has been classified as a Variant of Uncertain Significance. Algorithms developed to predict the effect of missense changes on protein structure and function output the following: SIFT: "Deleterious"; PolyPhen-2: "Benign"; Align-GVGD: "Class C0". The methionine amino acid residue is found in multiple mammalian species, which suggests that this missense change does not adversely affect protein function. This variant has not been reported in the literature in individuals affected with BEST1-related conditions. The frequency data for this variant in the population databases is considered unreliable, as metrics indicate poor data quality at this position in the gnomAD database. This sequence change replaces threonine, which is neutral and polar, with methionine, which is neutral and non-polar, at codon 542 of the BEST1 protein (p.Thr542Met).

NM_004183.4(BEST1):c.1625C>T (p.Thr542Met)

Gene: BEST1 (bestrophin 1; plus strand). Cytogenetic location: 11q12.3.
Variant type: single nucleotide variant.
Coding change: c.1625C>T on transcript NM_004183.4 (MANE Select); coding-DNA position 1625, C replaced by T.
Protein change: p.Thr542Met; replaces threonine 542 with methionine.
Molecular consequence: missense variant. On other transcripts: non-coding transcript variant (1).
Genome position (GRCh38, 1-based): chr11:61,962,779, C>T. VCF-style: chr11-61962779-C-T. GRCh37 (hg19) VCF-style: chr11-61730251-C-T.
Other names: c.1445C>T, p.Thr482Met (NM_001139443.3, NM_001300787.2); c.1364C>T, p.Thr455Met (NM_001300786.2); c.1307C>T, p.Thr436Met (NM_001363591.3); c.*520C>T (NM_001363592.2); c.653C>T, p.Thr218Met (NM_001363593.3); short protein forms T455M, T482M, T218M, T542M, T436M.
Identifiers: ClinVar variation 2974516 (VCV002974516.3), dbSNP rs543908813, ClinGen allele CA6041091.